The following is an entry in ClinVar:

NM_004958.4(MTOR):c.5238C>T (p.Leu1746=)

Gene: MTOR (mechanistic target of rapamycin kinase; minus strand). Cytogenetic location: 1p36.22.
Variant type: single nucleotide variant.
Coding change: c.5238C>T on transcript NM_004958.4 (MANE Select); coding-DNA position 5238, C replaced by T.
Protein change: p.Leu1746=; no amino-acid change (leucine 1746 retained).
Molecular consequence: synonymous variant.
Genome position (GRCh38, 1-based): chr1:11,134,359, G>A on the plus strand (C>T on the coding strand, the complement: MTOR is on the minus strand). VCF-style: chr1-11134359-G-A. GRCh37 (hg19) VCF-style: chr1-11194416-G-A.
Identifiers: ClinVar variation 699859 (VCV000699859.34), dbSNP rs145082947, ClinGen allele CA589416.

ClinVar aggregate classification (germline): Likely benign. Review status: criteria provided, multiple submitters, no conflicts (2 of 4 stars). 4 submissions from 4 submitters: Likely benign (4). Last evaluated 2025-10-02.

Allele frequency attached by ClinVar (database versions not stated): gnomAD 0.00004; gnomAD exomes 0.00004 and 0.00005; TOPMed 0.00004; ExAC 0.00005; ESP Exome Variant Server 0.00008.

Submissions (4):

Labcorp Genetics (formerly Invitae), Labcorp
Classification: Likely benign. Last evaluated: 2025-10-02. Review status: criteria provided, single submitter. Criteria: Invitae Variant Classification Sherloc (09022015). Collection method: clinical testing. Allele origin: germline.

Blueprint Genetics
Classification: Likely benign. Last evaluated: 2024-05-08. Review status: criteria provided, single submitter. Criteria: ACMG Guidelines, 2015. Collection method: clinical testing. Allele origin: germline.

CeGaT Center for Human Genetics Tuebingen
Classification: Likely benign. Last evaluated: 2022-06-01. Review status: criteria provided, single submitter. Criteria: CeGaT Center For Human Genetics Tuebingen Variant Classification Criteria Version 2. Collection method: clinical testing. Allele origin: germline. Affected: yes. Observed: 2 variant alleles.
Comment: MTOR: BP4, BP7

Breakthrough Genomics
Classification: Likely benign. Review status: criteria provided, single submitter. Criteria: ACMG Guidelines, 2015. Collection method: not provided. Allele origin: germline. Inheritance: Autosomal dominant inheritance. Affected: yes.